The following is an entry in ClinVar:

ClinVar aggregate classification (germline): Uncertain significance (1 of 4 stars; one submission).

Submission:

Ambry Genetics
Classification: Uncertain significance. Last evaluated: 2023-09-07. Review status: criteria provided, single submitter. Criteria: Ambry Variant Classification Scheme 2023. Collection method: clinical testing. Allele origin: germline.
Comment: The p.I25F variant (also known as c.73A>T), located in coding exon 1 of the MNDA gene, results from an A to T substitution at nucleotide position 73. The isoleucine at codon 25 is replaced by phenylalanine, an amino acid with highly similar properties. This amino acid position is conserved. In addition, this alteration is predicted to be tolerated by in silico analysis. Since supporting evidence is limited at this time, the clinical significance of this alteration remains unclear.

NM_002432.3(MNDA):c.73A>T (p.Ile25Phe)

Gene: MNDA (myeloid cell nuclear differentiation antigen; plus strand). Cytogenetic location: 1q23.1.
Variant type: single nucleotide variant.
Coding change: c.73A>T on transcript NM_002432.3 (MANE Select); coding-DNA position 73, A replaced by T.
Protein change: p.Ile25Phe; replaces isoleucine 25 with phenylalanine.
Molecular consequence: missense variant.
Genome position (GRCh38, 1-based): chr1:158,842,226, A>T. VCF-style: chr1-158842226-A-T. GRCh37 (hg19) VCF-style: chr1-158812016-A-T.
Other names: short protein forms I25F.
Identifiers: ClinVar variation 2625390 (VCV002625390.2), dbSNP rs565293601, ClinGen allele CA343036510.